The following is an entry in ClinVar:

NM_004006.3(DMD):c.8044G>A (p.Ala2682Thr)

Gene: DMD (dystrophin; minus strand). Cytogenetic location: Xp21.1.
Variant type: single nucleotide variant.
Coding change: c.8044G>A on transcript NM_004006.3 (MANE Select); coding-DNA position 8044, G replaced by A.
Protein change: p.Ala2682Thr; replaces alanine 2682 with threonine.
Molecular consequence: missense variant.
Genome position (GRCh38, 1-based): chrX:31,627,846, C>T on the plus strand (G>A on the coding strand, the complement: DMD is on the minus strand). VCF-style: chrX-31627846-C-T. GRCh37 (hg19) VCF-style: chrX-31645963-C-T.
Other names: c.8020G>A, p.Ala2674Thr (NM_000109.4); c.8032G>A, p.Ala2678Thr (NM_004009.3); c.7675G>A, p.Ala2559Thr (NM_004010.3); c.4021G>A, p.Ala1341Thr (NM_004011.4); c.4012G>A, p.Ala1338Thr (NM_004012.4); c.664G>A, p.Ala222Thr (NM_004013.3, NM_004020.4, NM_004021.3 and 2 more transcripts); short protein forms A1341T, A222T, A2559T, A2678T, A1338T, A2682T, A2674T.
Identifiers: ClinVar variation 1439845 (VCV001439845.8), dbSNP rs2148423482, ClinGen allele CA412657422.

ClinVar aggregate classification (germline): Uncertain significance (1 of 4 stars; one submission).

Conditions:
Duchenne muscular dystrophy (DMD). Also called: Duchenne Muscular Dystrophy (DMD); MUSCULAR DYSTROPHY, PSEUDOHYPERTROPHIC PROGRESSIVE, DUCHENNE TYPE. Identifiers: Orphanet 98896, MedGen C0013264, MONDO:0010679, OMIM 310200.

Submission:

Labcorp Genetics (formerly Invitae), Labcorp
Classification: Uncertain significance for Duchenne muscular dystrophy. Last evaluated: 2021-09-29. Review status: criteria provided, single submitter. Criteria: Invitae Variant Classification Sherloc (09022015). Collection method: clinical testing. Allele origin: germline.
Comment: In summary, the available evidence is currently insufficient to determine the role of this variant in disease. Therefore, it has been classified as a Variant of Uncertain Significance. Algorithms developed to predict the effect of missense changes on protein structure and function output the following: SIFT: "Tolerated"; PolyPhen-2: "Benign"; Align-GVGD: "Class C0". The threonine amino acid residue is found in multiple mammalian species, suggesting that this missense change does not adversely affect protein function. These predictions have not been confirmed by published functional studies and their clinical significance is uncertain. This sequence change replaces alanine with threonine at codon 2682 of the DMD protein (p.Ala2682Thr). The alanine residue is moderately conserved and there is a small physicochemical difference between alanine and threonine. This variant is not present in population databases (ExAC no frequency). This variant has not been reported in the literature in individuals with DMD-related disease.